The following is an entry in ClinVar:

NM_001378477.3(NYX):c.1304C>A (p.Ala435Asp)

Gene: NYX (nyctalopin; plus strand). Cytogenetic location: Xp11.4.
Variant type: single nucleotide variant.
Coding change: c.1304C>A on transcript NM_001378477.3 (MANE Select); coding-DNA position 1304, C replaced by A.
Protein change: p.Ala435Asp; replaces alanine 435 with aspartic acid.
Molecular consequence: missense variant.
Genome position (GRCh38, 1-based): chrX:41,474,772, C>A. VCF-style: chrX-41474772-C-A. GRCh37 (hg19) VCF-style: chrX-41334025-C-A.
Other names: c.1304C>A, p.Ala435Asp (NM_022567.3); short protein forms A435D.
Identifiers: ClinVar variation 1023909 (VCV001023909.9), dbSNP rs1203493441, ClinGen allele CA412993534.

ClinVar aggregate classification (germline): Uncertain significance (1 of 4 stars; one submission).

Allele frequency attached by ClinVar (database versions not stated): gnomAD exomes below 0.00001.

Submission:

Labcorp Genetics (formerly Invitae), Labcorp
Classification: Uncertain significance. Last evaluated: 2023-11-27. Review status: criteria provided, single submitter. Criteria: Invitae Variant Classification Sherloc (09022015). Collection method: clinical testing. Allele origin: germline.
Comment: This sequence change replaces alanine, which is neutral and non-polar, with aspartic acid, which is acidic and polar, at codon 440 of the NYX protein (p.Ala440Asp). This variant is not present in population databases (gnomAD no frequency). This variant has not been reported in the literature in individuals affected with NYX-related conditions. ClinVar contains an entry for this variant (Variation ID: 1023909). An algorithm developed to predict the effect of missense changes on protein structure and function (PolyPhen-2) suggests that this variant is likely to be tolerated. In summary, the available evidence is currently insufficient to determine the role of this variant in disease. Therefore, it has been classified as a Variant of Uncertain Significance.